The following is an entry in ClinVar:

NM_001849.4(COL6A2):c.582G>C (p.Gln194His)

Gene: COL6A2 (collagen type VI alpha 2 chain; plus strand). Cytogenetic location: 21q22.3.
Variant type: single nucleotide variant.
Coding change: c.582G>C on transcript NM_001849.4 (MANE Select); coding-DNA position 582, G replaced by C.
Protein change: p.Gln194His; replaces glutamine 194 with histidine.
Molecular consequence: missense variant.
Genome position (GRCh38, 1-based): chr21:46,112,445, G>C. VCF-style: chr21-46112445-G-C. GRCh37 (hg19) VCF-style: chr21-47532359-G-C.
Other names: c.582G>C, p.Gln194His (NM_058174.3, NM_058175.3); short protein forms Q194H.
Identifiers: ClinVar variation 646367 (VCV000646367.11), dbSNP rs1601218622, ClinGen allele CA410522026.
Genomic context (GRCh38, chr21:46,112,445, plus strand): 5'-GCTGCAGGCCGAGCGGGCCCGCGAGGAGGGCATCCGGCTCTTCGCCGTGGCCCCCAACCA[G>C]AACCTGAAGGAGCAGGGCCTGCGGGACATCGCCAGCACGCCGCACGAGCTCTACCGCAAC-3'
Protein context (NP_001840.3, residues 184-204): GIRLFAVAPN[Gln194His]NLKEQGLRDI

ClinVar aggregate classification (germline): Uncertain significance. Review status: criteria provided, multiple submitters, no conflicts (2 of 4 stars). 2 submissions from 2 submitters: Uncertain significance (2). Last evaluated 2025-08-29.

Conditions:
Bethlem myopathy 1A. Also called: Bethlem Muscular Dystrophy; Bethlem myopathy 1; MYOPATHY, BENIGN CONGENITAL, WITH CONTRACTURES. Identifiers: Orphanet 610, MedGen CN029274, MONDO:0024530, OMIM 158810.

Allele frequency attached by ClinVar (database versions not stated): gnomAD exomes below 0.00001; TOPMed below 0.00001.

Submissions (2):

Labcorp Genetics (formerly Invitae), Labcorp
Classification: Uncertain significance for Bethlem myopathy 1A. Last evaluated: 2025-08-29. Review status: criteria provided, single submitter. Criteria: Invitae Variant Classification Sherloc (09022015). Collection method: clinical testing. Allele origin: germline.
Comment: This sequence change replaces glutamine, which is neutral and polar, with histidine, which is basic and polar, at codon 194 of the COL6A2 protein (p.Gln194His). This variant is not present in population databases (gnomAD no frequency). This variant has not been reported in the literature in individuals affected with COL6A2-related conditions. ClinVar contains an entry for this variant (Variation ID: 646367). Invitae Evidence Modeling of protein sequence and biophysical properties (such as structural, functional, and spatial information, amino acid conservation, physicochemical variation, residue mobility, and thermodynamic stability) indicates that this missense variant is not expected to disrupt COL6A2 protein function with a negative predictive value of 80%. In summary, the available evidence is currently insufficient to determine the role of this variant in disease. Therefore, it has been classified as a Variant of Uncertain Significance.

Revvity Omics, Revvity
Classification: Uncertain significance. Last evaluated: 2019-01-11. Review status: criteria provided, single submitter. Criteria: ACMG Guidelines, 2015. Collection method: clinical testing. Allele origin: germline.